The following is an entry in ClinVar:

ClinVar aggregate classification (germline): Uncertain significance (1 of 4 stars; one submission).

Conditions:
Inborn genetic diseases. Identifiers: MedGen C0950123, MeSH D030342.

Submission:

Ambry Genetics
Classification: Uncertain significance for Inborn genetic diseases. Last evaluated: 2025-05-06. Review status: criteria provided, single submitter. Criteria: Ambry Variant Classification Scheme 2023. Collection method: clinical testing. Allele origin: germline.
Comment: The p.V789L variant (also known as c.2365G>T), located in coding exon 26 of the FANCA gene, results from a G to T substitution at nucleotide position 2365. The valine at codon 789 is replaced by leucine, an amino acid with highly similar properties. This amino acid position is conserved. In addition, this alteration is predicted to be tolerated by in silico analysis. Based on the available evidence, the clinical significance of this variant remains unclear.

NM_000135.4(FANCA):c.2365G>T (p.Val789Leu)

Gene: FANCA (FA complementation group A; minus strand). Cytogenetic location: 16q24.3.
Variant type: single nucleotide variant.
Coding change: c.2365G>T on transcript NM_000135.4 (MANE Select); coding-DNA position 2365, G replaced by T.
Protein change: p.Val789Leu; replaces valine 789 with leucine.
Molecular consequence: missense variant.
Genome position (GRCh38, 1-based): chr16:89,769,976, C>A on the plus strand (G>T on the coding strand, the complement: FANCA is on the minus strand). VCF-style: chr16-89769976-C-A. GRCh37 (hg19) VCF-style: chr16-89836384-C-A.
Other names: c.2365G>T, p.Val789Leu (NM_001286167.3); short protein forms V789L.
Identifiers: ClinVar variation 4022245 (VCV004022245.1).